The following is an entry in ClinVar:

ClinVar aggregate classification (germline): Uncertain significance. Review status: criteria provided, multiple submitters, no conflicts (2 of 4 stars). 3 submissions from 3 submitters: Uncertain significance (3). Last evaluated 2024-03-08.

Conditions:
Epidermodysplasia verruciformis. Identifiers: Orphanet 302, MedGen C0014522, MONDO:0009176.
Inborn genetic diseases. Identifiers: MedGen C0950123, MeSH D030342.

Allele frequency attached by ClinVar (database versions not stated): gnomAD 0.00027 and 0.00029; TOPMed 0.00027; gnomAD exomes 0.00003; 1000 Genomes Project 30x 0.00031.
gnomAD v4.1: 72 of 1,522,664 alleles (0.0047%); highest among the groups gnomAD compares: African/African-American, 0.089%; no homozygotes.

Submissions (3):

Ambry Genetics
Classification: Uncertain significance for Inborn genetic diseases. Last evaluated: 2024-03-08. Review status: criteria provided, single submitter. Criteria: Ambry Variant Classification Scheme 2023. Collection method: clinical testing. Allele origin: germline.

Labcorp Genetics (formerly Invitae), Labcorp
Classification: Uncertain significance for Epidermodysplasia verruciformis. Last evaluated: 2022-04-26. Review status: criteria provided, single submitter. Criteria: Invitae Variant Classification Sherloc (09022015). Collection method: clinical testing. Allele origin: germline.
Comment: This sequence change replaces leucine, which is neutral and non-polar, with valine, which is neutral and non-polar, at codon 84 of the TMC8 protein (p.Leu84Val). This variant is present in population databases (no rsID available, gnomAD 0.1%). This variant has not been reported in the literature in individuals affected with TMC8-related conditions. ClinVar contains an entry for this variant (Variation ID: 935378). Algorithms developed to predict the effect of missense changes on protein structure and function are either unavailable or do not agree on the potential impact of this missense change (SIFT: "Tolerated"; PolyPhen-2: "Probably Damaging"; Align-GVGD: "Class C0"). In summary, the available evidence is currently insufficient to determine the role of this variant in disease. Therefore, it has been classified as a Variant of Uncertain Significance.

Breakthrough Genomics
Classification: Uncertain significance. Review status: criteria provided, single submitter. Criteria: ACMG Guidelines, 2015. Collection method: not provided. Allele origin: germline. Inheritance: Autosomal recessive inheritance. Affected: yes.

NM_152468.5(TMC8):c.250C>G (p.Leu84Val)

Genes: TMC6 (transmembrane channel like 6; minus strand), TMC8 (transmembrane channel like 8; plus strand). Cytogenetic location: 17q25.3.
Variant type: single nucleotide variant.
Coding change: c.250C>G on transcript NM_152468.5 (MANE Select); coding-DNA position 250, C replaced by G.
Protein change: p.Leu84Val; replaces leucine 84 with valine.
Molecular consequence: missense variant. On other transcripts: intron variant (1).
Genome position (GRCh38, 1-based): chr17:78,131,982, C>G. VCF-style: chr17-78131982-C-G. GRCh37 (hg19) VCF-style: chr17-76128063-C-G.
Other names: c.-75+359G>C (NM_007267.7); short protein forms L84V.
Identifiers: ClinVar variation 935378 (VCV000935378.7), dbSNP rs968762906, ClinGen allele CA294359506.